The following is an entry in ClinVar:

NM_201384.3(PLEC):c.3166C>T (p.Pro1056Ser)

Gene: PLEC (plectin; minus strand). Cytogenetic location: 8q24.3.
Variant type: single nucleotide variant.
Coding change: c.3166C>T on transcript NM_201384.3 (MANE Select); coding-DNA position 3166, C replaced by T.
Protein change: p.Pro1056Ser; replaces proline 1056 with serine.
Molecular consequence: missense variant.
Genome position (GRCh38, 1-based): chr8:143,929,197, G>A on the plus strand (C>T on the coding strand, the complement: PLEC is on the minus strand). VCF-style: chr8-143929197-G-A. GRCh37 (hg19) VCF-style: chr8-145003365-G-A.
Other names: c.3247C>T, p.Pro1083Ser (NM_000445.5, NM_001410941.1); c.3124C>T, p.Pro1042Ser (NM_201378.4); c.3100C>T, p.Pro1034Ser (NM_201379.3); c.3577C>T, p.Pro1193Ser (NM_201380.4); c.3070C>T, p.Pro1024Ser (NM_201381.3); c.3166C>T, p.Pro1056Ser (NM_201382.4); c.3178C>T, p.Pro1060Ser (NM_201383.3); short protein forms P1024S, P1034S, P1042S, P1056S, P1060S, P1083S, P1193S.
Identifiers: ClinVar variation 4874844 (VCV004874844.2).
Genomic context (GRCh38, chr8:143,929,197, plus strand): 5'-GCTCCAGCTTGCCCAGCGTCAGCTCCAGCTCCGAGCGCAGCGTGGGGGCCGCAGGCGATG[G>A]CTCTGGTAGGGCCAAGACCTTCTCGGCCTCGGCAGAGAGCCGGGCGACCCCCTTGCCCAG-3'
Protein context (NP_958786.1, residues 1046-1066): EAEKVLALPE[Pro1056Ser]SPAAPTLRSE

ClinVar aggregate classification (germline): Uncertain significance (1 of 4 stars; one submission).

gnomAD v4.1: 5 of 1,601,918 alleles (0.00031%); highest among the groups gnomAD compares: Non-Finnish European, 0.00025%; no homozygotes.

Submission:

CeGaT Center for Human Genetics Tuebingen
Classification: Uncertain significance. Last evaluated: 2026-05-01. Review status: criteria provided, single submitter. Criteria: CeGaT Center For Human Genetics Tuebingen Variant Classification Criteria Version 2. Collection method: clinical testing. Allele origin: germline. Affected: yes. Observed: 1 variant allele.
Comment: PLEC: PM2